The following is an entry in ClinVar:

NM_006269.2(RP1):c.5227A>G (p.Lys1743Glu)

Genes: RP1 (RP1 axonemal microtubule associated; plus strand), LOC126860392 (CDK7 strongly-dependent group 2 enhancer GRCh37_chr8:55541319-55542518; plus strand). Cytogenetic location: 8q12.1.
Variant type: single nucleotide variant.
Coding change: c.5227A>G on transcript NM_006269.2 (MANE Select); coding-DNA position 5227, A replaced by G.
Protein change: p.Lys1743Glu; replaces lysine 1743 with glutamic acid.
Molecular consequence: missense variant. On other transcripts: intron variant (1).
Genome position (GRCh38, 1-based): chr8:54,629,109, A>G. VCF-style: chr8-54629109-A-G. GRCh37 (hg19) VCF-style: chr8-55541669-A-G.
Other names: c.787+6821A>G (NM_001375654.1); short protein forms K1743E.
Identifiers: ClinVar variation 943733 (VCV000943733.10), dbSNP rs1377805648, ClinGen allele CA370985153.

ClinVar aggregate classification (germline): Uncertain significance (1 of 4 stars; one submission).

Allele frequency attached by ClinVar (database versions not stated): gnomAD exomes below 0.00001.

Submission:

Labcorp Genetics (formerly Invitae), Labcorp
Classification: Uncertain significance. Last evaluated: 2024-04-17. Review status: criteria provided, single submitter. Criteria: Invitae Variant Classification Sherloc (09022015). Collection method: clinical testing. Allele origin: germline.
Comment: This sequence change replaces lysine, which is basic and polar, with glutamic acid, which is acidic and polar, at codon 1743 of the RP1 protein (p.Lys1743Glu). This variant is present in population databases (no rsID available, gnomAD 0.006%). This variant has not been reported in the literature in individuals affected with RP1-related conditions. ClinVar contains an entry for this variant (Variation ID: 943733). An algorithm developed to predict the effect of missense changes on protein structure and function (PolyPhen-2) suggests that this variant is likely to be tolerated. In summary, the available evidence is currently insufficient to determine the role of this variant in disease. Therefore, it has been classified as a Variant of Uncertain Significance.